The following is an entry in ClinVar:

NM_001458.5(FLNC):c.1499T>C (p.Phe500Ser)

Gene: FLNC (filamin C; plus strand). Cytogenetic location: 7q32.1.
Variant type: single nucleotide variant.
Coding change: c.1499T>C on transcript NM_001458.5 (MANE Select); coding-DNA position 1499, T replaced by C.
Protein change: p.Phe500Ser; replaces phenylalanine 500 with serine.
Molecular consequence: missense variant.
Genome position (GRCh38, 1-based): chr7:128,840,110, T>C. VCF-style: chr7-128840110-T-C. GRCh37 (hg19) VCF-style: chr7-128480164-T-C.
Other names: c.1499T>C (NM_001458.4); c.1499T>C, p.Phe500Ser (NM_001127487.2); short protein forms F500S.
Identifiers: ClinVar variation 1503888 (VCV001503888.10), dbSNP rs2128934879, ClinGen allele CA369225734.
Genomic context (GRCh38, chr7:128,840,110, plus strand): 5'-CTGGGCGAGGCCTGCAGCCCAAGGGTGTTCGCGTGAAAGAGGTGGCTGACTTCAAGGTGT[T>C]TACCAAGGGTGCCGGCAGCGGGGAGCTCAAGGTCACGGTCAAGGGGCCAAGTGAGTGCCA-3'
Protein context (NP_001449.3, residues 490-510): RVKEVADFKV[Phe500Ser]TKGAGSGELK

ClinVar aggregate classification (germline): Uncertain significance. Review status: criteria provided, multiple submitters, no conflicts (2 of 4 stars). 2 submissions from 2 submitters: Uncertain significance (2). Last evaluated 2023-05-03.

Conditions:
Hypertrophic cardiomyopathy 26. Also called: Cardiomyopathy, familial hypertrophic, 26. Identifiers: Orphanet 75249, MedGen C4310749, MONDO:0014883, OMIM 617047.
Myofibrillar myopathy 5. Also called: Filaminopathy (type); FILAMINOPATHY, AUTOSOMAL DOMINANT. Identifiers: Orphanet 171445, MedGen C1836050, MONDO:0012289, OMIM 609524.
Distal myopathy with posterior leg and anterior hand involvement. Also called: WILLIAMS DISTAL MYOPATHY. Identifiers: Orphanet 63273, MedGen C3279722, MONDO:0013550, OMIM 614065.
Cardiovascular phenotype. Identifiers: MedGen CN230736.

Allele frequency attached by ClinVar (database versions not stated): gnomAD exomes below 0.00001.

Submissions (2):

Ambry Genetics
Classification: Uncertain significance for Cardiovascular phenotype. Last evaluated: 2023-05-03. Review status: criteria provided, single submitter. Criteria: Ambry Variant Classification Scheme 2023. Collection method: clinical testing. Allele origin: germline.
Comment: The p.F500S variant (also known as c.1499T>C), located in coding exon 9 of the FLNC gene, results from a T to C substitution at nucleotide position 1499. The phenylalanine at codon 500 is replaced by serine, an amino acid with highly dissimilar properties. This amino acid position is conserved. In addition, this alteration is predicted to be tolerated by in silico analysis. Since supporting evidence is limited at this time, the clinical significance of this alteration remains unclear.

Labcorp Genetics (formerly Invitae), Labcorp
Classification: Uncertain significance for Distal myopathy with posterior leg and anterior hand involvement; Myofibrillar myopathy 5; Hypertrophic cardiomyopathy 26. Last evaluated: 2020-11-21. Review status: criteria provided, single submitter. Criteria: Invitae Variant Classification Sherloc (09022015). Collection method: clinical testing. Allele origin: germline.
Comment: This variant has not been reported in the literature in individuals with FLNC-related conditions. This variant is not present in population databases (ExAC no frequency). This sequence change replaces phenylalanine with serine at codon 500 of the FLNC protein (p.Phe500Ser). The phenylalanine residue is moderately conserved and there is a large physicochemical difference between phenylalanine and serine. Algorithms developed to predict the effect of missense changes on protein structure and function (SIFT, PolyPhen-2, Align-GVGD) all suggest that this variant is likely to be tolerated, but these predictions have not been confirmed by published functional studies and their clinical significance is uncertain. In summary, the available evidence is currently insufficient to determine the role of this variant in disease. Therefore, it has been classified as a Variant of Uncertain Significance.